The following is an entry in ClinVar:

NM_001048174.2(MUTYH):c.568T>A (p.Tyr190Asn)

Gene: MUTYH (mutY DNA glycosylase; minus strand). Cytogenetic location: 1p34.1.
Variant type: single nucleotide variant.
Coding change: c.568T>A on transcript NM_001048174.2 (MANE Select); coding-DNA position 568, T replaced by A.
Protein change: p.Tyr190Asn; replaces tyrosine 190 with asparagine.
Molecular consequence: missense variant. On other transcripts: non-coding transcript variant (2).
Genome position (GRCh38, 1-based): chr1:45,332,612, A>T on the plus strand (T>A on the coding strand, the complement: MUTYH is on the minus strand). VCF-style: chr1-45332612-A-T. GRCh37 (hg19) VCF-style: chr1-45798284-A-T.
Other names: c.568T>A, p.Tyr190Asn (NM_001048171.2, NM_001048173.2, NM_001293195.2); c.571T>A, p.Tyr191Asn (NM_001048172.2); c.652T>A, p.Tyr218Asn (NM_001128425.2); c.613T>A, p.Tyr205Asn (NM_001293190.2); c.601T>A, p.Tyr201Asn (NM_001293191.2); c.292T>A, p.Tyr98Asn (NM_001293192.2, NM_001293196.2); c.223T>A, p.Tyr75Asn (NM_001350650.2, NM_001350651.2); c.643T>A, p.Tyr215Asn (NM_012222.3); short protein forms Y190N, Y191N, Y201N, Y205N, Y215N, Y218N, Y75N, Y98N.
Identifiers: ClinVar variation 1192276 (VCV001192276.4), dbSNP rs745808534, ClinGen allele CA058503.

ClinVar aggregate classification (germline): Uncertain significance. Review status: criteria provided, multiple submitters, no conflicts (2 of 4 stars). 2 submissions from 2 submitters: Uncertain significance (2). Last evaluated 2023-08-11.

Conditions:
Familial adenomatous polyposis 2. Also called: COLORECTAL ADENOMATOUS POLYPOSIS, AUTOSOMAL RECESSIVE; ADENOMAS, MULTIPLE COLORECTAL, AUTOSOMAL RECESSIVE; MUTYH Polyposis; MUTYH-related attenuated familial adenomatous polyposis; Adenomas, multiple colorectal; FAP type 2. Identifiers: Orphanet 220460, Orphanet 247798, MedGen C3272841, MONDO:0012041, OMIM 608456.

Allele frequency attached by ClinVar (database versions not stated): gnomAD exomes below 0.00001; ExAC 0.00001.
gnomAD v4.1: 1 of 1,614,130 alleles (0.000062%); highest among the groups gnomAD compares: Non-Finnish European, 0.000085%; no homozygotes.

Submissions (2):

Labcorp Genetics (formerly Invitae), Labcorp
Classification: Uncertain significance for Familial adenomatous polyposis 2. Last evaluated: 2023-08-11. Review status: criteria provided, single submitter. Criteria: Invitae Variant Classification Sherloc (09022015). Collection method: clinical testing. Allele origin: germline.
Comment: An algorithm developed to predict the effect of missense changes on protein structure and function (PolyPhen-2) suggests that this variant is likely to be disruptive. In summary, the available evidence is currently insufficient to determine the role of this variant in disease. Therefore, it has been classified as a Variant of Uncertain Significance. ClinVar contains an entry for this variant (Variation ID: 1192276). This variant has not been reported in the literature in individuals affected with MUTYH-related conditions. This variant is present in population databases (rs745808534, gnomAD 0.0009%). This sequence change replaces tyrosine, which is neutral and polar, with asparagine, which is neutral and polar, at codon 218 of the MUTYH protein (p.Tyr218Asn).

Women's Health and Genetics/Laboratory Corporation of America, LabCorp
Classification: Uncertain significance. Last evaluated: 2021-08-01. Review status: criteria provided, single submitter. Criteria: LabCorp Variant Classification Summary - May 2015. Collection method: clinical testing. Allele origin: germline.
Comment: Variant summary: MUTYH c.652T>A (p.Tyr218Asn) results in a non-conservative amino acid change located in the HhH (helix hairpin helix)-GPD domain (IPR003265) of the encoded protein sequence. Five of five in-silico tools predict a damaging effect of the variant on protein function. The variant allele was found at a frequency of 4e-06 in 251420 control chromosomes. The available data on variant occurrences in the general population are insufficient to allow any conclusion about variant significance. To our knowledge, no occurrence of c.652T>A in individuals affected with MUTYH-Associated Polyposis and no experimental evidence demonstrating its impact on protein function have been reported. No clinical diagnostic laboratories have submitted clinical-significance assessments for this variant to ClinVar after 2014. Based on the evidence outlined above, the variant was classified as uncertain significance.